The following is an entry in ClinVar:

ClinVar aggregate classification (germline): Likely benign. Review status: criteria provided, multiple submitters, no conflicts (2 of 4 stars). 2 submissions from 2 submitters: Likely benign (2). Last evaluated 2025-10-21.

Conditions:
X-linked distal spinal muscular atrophy type 3. Also called: ATP7A-Related Distal Motor Neuropathy; SPINAL MUSCULAR ATROPHY, DISTAL, X-LINKED RECESSIVE; NEURONOPATHY, DISTAL HEREDITARY MOTOR, X-LINKED; NEUROPATHY, DISTAL HEREDITARY MOTOR, X-LINKED. Identifiers: Orphanet 139557, MedGen C1845359, MONDO:0010338, OMIM 300489.
Menkes kinky-hair syndrome (MNK). Also called: Copper transport disease; Menkes Disease; Classic Menkes Disease. Identifiers: Orphanet 565, MedGen C0022716, MONDO:0010651, OMIM 309400.
Cutis laxa, X-linked (OHS). Also called: EDS IX; Occipital horn syndrome. Identifiers: Orphanet 198, MedGen C0268353, MONDO:0010572, OMIM 304150.

Allele frequency attached by ClinVar (database versions not stated): gnomAD exomes below 0.00001.
gnomAD v4.1: 3 of 1,210,781 alleles (0.00025%); highest among the groups gnomAD compares: Non-Finnish European, 0.00034%; no homozygotes.

Submissions (2):

Labcorp Genetics (formerly Invitae), Labcorp
Classification: Likely benign for X-linked distal spinal muscular atrophy type 3; Cutis laxa, X-linked; Menkes kinky-hair syndrome. Last evaluated: 2025-10-21. Review status: criteria provided, single submitter. Criteria: Invitae Variant Classification Sherloc (09022015). Collection method: clinical testing. Allele origin: germline.

Mayo Clinic Laboratories, Mayo Clinic
Classification: Likely benign. Last evaluated: 2025-09-30. Review status: criteria provided, single submitter. Criteria: ACMG Guidelines, 2015. Collection method: clinical testing. Allele origin: germline. Observed: 1 variant allele.
Comment: BP4, BP7

NM_000052.7(ATP7A):c.1536G>T (p.Arg512=)

Gene: ATP7A (ATPase copper transporting alpha; plus strand). Cytogenetic location: Xq21.1.
Variant type: single nucleotide variant.
Coding change: c.1536G>T on transcript NM_000052.7 (MANE Select); coding-DNA position 1536, G replaced by T.
Protein change: p.Arg512=; no amino-acid change (arginine 512 retained).
Molecular consequence: synonymous variant.
Genome position (GRCh38, 1-based): chrX:77,998,677, G>T. VCF-style: chrX-77998677-G-T. GRCh37 (hg19) VCF-style: chrX-77254174-G-T.
Other names: p.Arg512=; c.1536G>T, p.Arg512= (NM_001282224.2).
Identifiers: ClinVar variation 1151129 (VCV001151129.10), dbSNP rs1557232820, ClinGen allele CA517056246.